The following is an entry in ClinVar:

NM_006206.6(PDGFRA):c.1981C>T (p.Leu661=)

Gene: PDGFRA (platelet derived growth factor receptor alpha; plus strand). Cytogenetic location: 4q12.
Variant type: single nucleotide variant.
Coding change: c.1981C>T on transcript NM_006206.6 (MANE Select); coding-DNA position 1981, C replaced by T.
Protein change: p.Leu661=; no amino-acid change (leucine 661 retained).
Molecular consequence: synonymous variant.
Genome position (GRCh38, 1-based): chr4:54,277,985, C>T. VCF-style: chr4-54277985-C-T. GRCh37 (hg19) VCF-style: chr4-55144152-C-T.
Other names: c.1981C>T, p.Leu661= (NM_001347827.2, NM_001347829.2); c.2056C>T, p.Leu686= (NM_001347828.2); c.2020C>T, p.Leu674= (NM_001347830.2).
Identifiers: ClinVar variation 760937 (VCV000760937.14), dbSNP rs779919662, ClinGen allele CA96861606.

ClinVar aggregate classification (germline): Benign/Likely benign. Review status: criteria provided, multiple submitters, no conflicts (2 of 4 stars). 3 submissions from 3 submitters: Benign (1); Likely benign (2). Last evaluated 2026-06-17.

Conditions:
Polyps, multiple and recurrent inflammatory fibroid, gastrointestinal. Identifiers: MedGen C5193005, MONDO:0008285, OMIM 175510.
Hereditary cancer-predisposing syndrome. Also called: Neoplastic Syndromes, Hereditary; Hereditary Cancer Syndrome; Hereditary neoplastic syndrome; Tumor predisposition. Identifiers: Orphanet 140162, MedGen C0027672, MeSH D009386, MONDO:0015356.
Gastrointestinal stromal tumor. Also called: Gastrointestinal stromal tumor, somatic; Gastrointestinal stroma tumor. Identifiers: Orphanet 44890, MedGen C0238198, MeSH D046152, MONDO:0011719, OMIM 606764, HP:0100723.

Allele frequency attached by ClinVar (database versions not stated): gnomAD exomes below 0.00001; TOPMed below 0.00001.
gnomAD v4.1: 1 of 1,610,604 alleles (0.000062%); highest among the groups gnomAD compares: Non-Finnish European, 0.000085%; no homozygotes.

Submissions (3):

Myriad Genetics, Inc.
Classification: Benign for Polyps, multiple and recurrent inflammatory fibroid, gastrointestinal. Last evaluated: 2026-06-17. Review status: criteria provided, single submitter. Criteria: Myriad Autosomal Dominant, Autosomal Recessive and X-Linked Classification Criteria (2023). Collection method: clinical testing. Allele origin: unknown.
Comment: This variant is considered benign. This variant is a silent/synonymous amino acid change and it is not expected to impact splicing.

Labcorp Genetics (formerly Invitae), Labcorp
Classification: Likely benign for Gastrointestinal stromal tumor. Last evaluated: 2025-11-10. Review status: criteria provided, single submitter. Criteria: Invitae Variant Classification Sherloc (09022015). Collection method: clinical testing. Allele origin: germline.

Ambry Genetics
Classification: Likely benign for Hereditary cancer-predisposing syndrome. Last evaluated: 2019-08-14. Review status: criteria provided, single submitter. Criteria: Ambry Variant Classification Scheme 2023. Collection method: clinical testing. Allele origin: germline.